The following is an entry in ClinVar:

NM_001330260.2(SCN8A):c.2675T>C (p.Val892Ala)

Gene: SCN8A (sodium voltage-gated channel alpha subunit 8; plus strand). Cytogenetic location: 12q13.13.
Variant type: single nucleotide variant.
Coding change: c.2675T>C on transcript NM_001330260.2 (MANE Select); coding-DNA position 2675, T replaced by C.
Protein change: p.Val892Ala; replaces valine 892 with alanine.
Molecular consequence: missense variant.
Genome position (GRCh38, 1-based): chr12:51,765,801, T>C. VCF-style: chr12-51765801-T-C. GRCh37 (hg19) VCF-style: chr12-52159585-T-C.
Other names: c.2675T>C, p.Val892Ala (NM_001177984.3, NM_001369788.1, NM_014191.4); c.2675T>C (NM_014191.3); short protein forms V892A.
Identifiers: ClinVar variation 1721320 (VCV001721320.6), dbSNP rs863225295, ClinGen allele CA384887673.
Genomic context (GRCh38, chr12:51,765,801, plus strand): 5'-TGGGTGCCCTGGGCAACCTGACACTGGTGCTGGCCATTATTGTCTTCATCTTTGCCGTGG[T>C]GGGGATGCAACTCTTTGGAAAAAGCTACAAAGAGTGTGTCTGCAAGATCAACCAGGACTG-3'
Protein context (NP_001317189.1, residues 882-902): LAIIVFIFAV[Val892Ala]GMQLFGKSYK

ClinVar aggregate classification (germline): Pathogenic/Likely pathogenic. Review status: criteria provided, multiple submitters, no conflicts (2 of 4 stars). 2 submissions from 2 submitters: Pathogenic (1); Likely pathogenic (1). Last evaluated 2025-08-21.

Conditions:
Early-infantile DEE. Also called: Early infantile epileptic encephalopathy with suppression bursts; Early infantile epileptic encephalopathy; Ohtahara syndrome. Identifiers: Orphanet 1934, MedGen C0393706, MONDO:0800491.

Submissions (2):

Labcorp Genetics (formerly Invitae), Labcorp
Classification: Pathogenic for Early-infantile DEE. Last evaluated: 2025-08-21. Review status: criteria provided, single submitter. Criteria: Invitae Variant Classification Sherloc (09022015). Collection method: clinical testing. Allele origin: germline.
Comment: This sequence change replaces valine, which is neutral and non-polar, with alanine, which is neutral and non-polar, at codon 892 of the SCN8A protein (p.Val892Ala). This variant is not present in population databases (gnomAD no frequency). This missense change has been observed in individual(s) with SCN8A-related conditions (PMID: 35188110). In at least one individual the variant was observed to be de novo. ClinVar contains an entry for this variant (Variation ID: 1721320). Invitae Evidence Modeling of protein sequence and biophysical properties (such as structural, functional, and spatial information, amino acid conservation, physicochemical variation, residue mobility, and thermodynamic stability) indicates that this missense variant is expected to disrupt SCN8A protein function with a positive predictive value of 95%. This variant disrupts the p.Val892 amino acid residue in SCN8A. Other variant(s) that disrupt this residue have been determined to be pathogenic (internal data). This suggests that this residue is clinically significant, and that variants that disrupt this residue are likely to be disease-causing. For these reasons, this variant has been classified as Pathogenic.

GeneDx
Classification: Likely pathogenic. Last evaluated: 2023-03-12. Review status: criteria provided, single submitter. Criteria: GeneDx Variant Classification Process June 2021. Collection method: clinical testing. Allele origin: germline. Affected: yes.
Comment: Has been reported in a patient with early onset infantile spasms which progressed to generalized tonic-clonic seizures and epileptic encelphalopathy with global developmental delay and hypotonia (Keshri et al., 2022); This substitution is predicted to be within the transmembrane segment S5 of the second homologous domain; Missense variants in this gene are often considered pathogenic (HGMD); In silico analysis supports that this missense variant has a deleterious effect on protein structure/function; Not observed at significant frequency in large population cohorts (gnomAD); This variant is associated with the following publications: (PMID: 35188110)

Literature cited by the submitters: PubMed 35188110 (cited by Labcorp Genetics (formerly Invitae), Labcorp).